The following is an entry in ClinVar:

NM_001024630.4(RUNX2):c.163C>A (p.Gln55Lys)

Genes: RUNX2 (RUNX family transcription factor 2; plus strand), LOC109611589 (runt related transcription factor 2 polyalanine expansion region; plus strand). Cytogenetic location: 6p21.1.
Variant type: single nucleotide variant.
Coding change: c.163C>A on transcript NM_001024630.4 (MANE Select); coding-DNA position 163, C replaced by A.
Protein change: p.Gln55Lys; replaces glutamine 55 with lysine.
Molecular consequence: missense variant.
Genome position (GRCh38, 1-based): chr6:45,422,697, C>A. VCF-style: chr6-45422697-C-A. GRCh37 (hg19) VCF-style: chr6-45390434-C-A.
Other names: c.121C>A, p.Gln41Lys (NM_001278478.2, NM_001369405.1); c.163C>A, p.Gln55Lys (NM_001015051.4); short protein forms Q55K, Q41K.
Identifiers: ClinVar variation 3724673 (VCV003724673.2).

ClinVar aggregate classification (germline): Uncertain significance (1 of 4 stars; one submission).

gnomAD v4.1: 1 of 1,597,696 alleles (0.000063%); highest among the groups gnomAD compares: East Asian, 0.0023%; no homozygotes.

Submission:

Labcorp Genetics (formerly Invitae), Labcorp
Classification: Uncertain significance. Last evaluated: 2024-11-05. Review status: criteria provided, single submitter. Criteria: Invitae Variant Classification Sherloc (09022015). Collection method: clinical testing. Allele origin: germline.
Comment: This sequence change replaces glutamine, which is neutral and polar, with lysine, which is basic and polar, at codon 55 of the RUNX2 protein (p.Gln55Lys). This variant is not present in population databases (gnomAD no frequency). This variant has not been reported in the literature in individuals affected with RUNX2-related conditions. An algorithm developed to predict the effect of missense changes on protein structure and function (PolyPhen-2) suggests that this variant is likely to be tolerated. In summary, the available evidence is currently insufficient to determine the role of this variant in disease. Therefore, it has been classified as a Variant of Uncertain Significance.